The following is an entry in ClinVar:

ClinVar aggregate classification (germline): Uncertain significance. Review status: criteria provided, multiple submitters, no conflicts (2 of 4 stars). 3 submissions from 3 submitters: Uncertain significance (3). Last evaluated 2024-11-27.

Conditions:
DICER1-related tumor predisposition. Also called: DICER1-related pleuropulmonary blastoma cancer predisposition syndrome; DICER1 syndrome. Identifiers: Orphanet 284343, MedGen C3839822, MONDO:0100216.
Hereditary cancer-predisposing syndrome. Also called: Hereditary Cancer Syndrome; Tumor predisposition; Hereditary neoplastic syndrome; Neoplastic Syndromes, Hereditary. Identifiers: Orphanet 140162, MedGen C0027672, MeSH D009386, MONDO:0015356.

Allele frequency attached by ClinVar (database versions not stated): gnomAD exomes below 0.00001 and 0.00001.
gnomAD v4.1: 2 of 1,614,192 alleles (0.00012%); highest among the groups gnomAD compares: South Asian, 0.0022%; no homozygotes.

Submissions (3):

GeneDx
Classification: Uncertain significance. Last evaluated: 2024-11-27. Review status: criteria provided, single submitter. Criteria: GeneDx Variant Classification Process June 2021. Collection method: clinical testing. Allele origin: germline. Affected: yes.
Comment: Not observed at significant frequency in large population cohorts (gnomAD); In silico analysis indicates that this missense variant does not alter protein structure/function; Has not been previously published as pathogenic or benign to our knowledge

Labcorp Genetics (formerly Invitae), Labcorp
Classification: Uncertain significance for DICER1-related tumor predisposition. Last evaluated: 2024-08-06. Review status: criteria provided, single submitter. Criteria: Invitae Variant Classification Sherloc (09022015). Collection method: clinical testing. Allele origin: germline.
Comment: This sequence change replaces serine, which is neutral and polar, with isoleucine, which is neutral and non-polar, at codon 1628 of the DICER1 protein (p.Ser1628Ile). This variant is present in population databases (no rsID available, gnomAD 0.006%). This variant has not been reported in the literature in individuals affected with DICER1-related conditions. ClinVar contains an entry for this variant (Variation ID: 1051067). An algorithm developed to predict the effect of missense changes on protein structure and function (PolyPhen-2) suggests that this variant is likely to be tolerated. In summary, the available evidence is currently insufficient to determine the role of this variant in disease. Therefore, it has been classified as a Variant of Uncertain Significance.

Ambry Genetics
Classification: Uncertain significance for Hereditary cancer-predisposing syndrome. Last evaluated: 2023-12-18. Review status: criteria provided, single submitter. Criteria: Ambry Variant Classification Scheme 2023. Collection method: clinical testing. Allele origin: germline.
Comment: The p.S1628I variant (also known as c.4883G>T), located in coding exon 22 of the DICER1 gene, results from a G to T substitution at nucleotide position 4883. The serine at codon 1628 is replaced by isoleucine, an amino acid with dissimilar properties. This amino acid position is not well conserved in available vertebrate species. In addition, this alteration is predicted to be tolerated by in silico analysis. Since supporting evidence is limited at this time, the clinical significance of this alteration remains unclear.

NM_177438.3(DICER1):c.4883G>T (p.Ser1628Ile)

Gene: DICER1 (dicer 1, ribonuclease III; minus strand). Cytogenetic location: 14q32.13.
Variant type: single nucleotide variant.
Coding change: c.4883G>T on transcript NM_177438.3 (MANE Select); coding-DNA position 4883, G replaced by T.
Protein change: p.Ser1628Ile; replaces serine 1628 with isoleucine.
Molecular consequence: missense variant.
Genome position (GRCh38, 1-based): chr14:95,096,037, C>A on the plus strand (G>T on the coding strand, the complement: DICER1 is on the minus strand). VCF-style: chr14-95096037-C-A. GRCh37 (hg19) VCF-style: chr14-95562374-C-A.
Other names: c.4883G>T, p.Ser1628Ile (NM_030621.4, NM_001271282.3, NM_001291628.2 and 1 more transcripts); short protein forms S1628I.
Identifiers: ClinVar variation 1051067 (VCV001051067.14), dbSNP rs1392384194, ClinGen allele CA390866509.